The following is an entry in ClinVar:

ClinVar aggregate classification (germline): Uncertain significance (1 of 4 stars; one submission).

Conditions:
Hereditary cancer-predisposing syndrome. Also called: Neoplastic Syndromes, Hereditary; Tumor predisposition; Hereditary Cancer Syndrome; Hereditary neoplastic syndrome. Identifiers: Orphanet 140162, MedGen C0027672, MeSH D009386, MONDO:0015356.

Allele frequency attached by ClinVar (database versions not stated): gnomAD exomes below 0.00001; gnomAD 0.00001; TOPMed 0.00001.
gnomAD v4.1: 2 of 1,613,662 alleles (0.00012%); highest among the groups gnomAD compares: African/African-American, 0.0013%; no homozygotes.

Submission:

Ambry Genetics
Classification: Uncertain significance for Hereditary cancer-predisposing syndrome. Last evaluated: 2020-09-17. Review status: criteria provided, single submitter. Criteria: Ambry Variant Classification Scheme 2023. Collection method: clinical testing. Allele origin: germline.
Comment: The c.1500+5G>C intronic variant results from a G to C substitution 5 nucleotides after coding exon 12 in the MRE11A gene. This nucleotide position is well conserved in available vertebrate species. In silico splice site analysis predicts that this alteration will not have any significant effect on splicing. Since supporting evidence is limited at this time, the clinical significance of this alteration remains unclear.

NM_005591.4(MRE11):c.1500+5G>C

Gene: MRE11 (MRE11 double strand break repair nuclease; minus strand). Cytogenetic location: 11q21.
Variant type: single nucleotide variant.
Coding change: c.1500+5G>C on transcript NM_005591.4 (MANE Select); 5 bases into the intron after coding-DNA position 1500, G replaced by C.
Molecular consequence: intron variant.
Genome position (GRCh38, 1-based): chr11:94,459,403, C>G on the plus strand (G>C on the coding strand, the complement: MRE11 is on the minus strand). VCF-style: chr11-94459403-C-G. GRCh37 (hg19) VCF-style: chr11-94192569-C-G.
Other names: c.1500+5G>C (NM_001330347.2, NM_005590.4).
Identifiers: ClinVar variation 1800220 (VCV001800220.2), dbSNP rs1032485407, ClinGen allele CA226529129.
Genomic context (GRCh38, chr11:94,459,403, plus strand): 5'-ATCTCAGAGCTACTCTTAAAGACAGACTATTTAAATAGACCTAGACACTCAAATTAGTTA[C>G]TTACCTCCTCATCGATTTTGTCTTCGAGGGCATCAATATGACGTTCTTTAAGAAATCGCT-3'